The following is an entry in ClinVar:

ClinVar aggregate classification (germline): Uncertain significance (1 of 4 stars; one submission).

Submission:

Women's Health and Genetics/Laboratory Corporation of America, LabCorp
Classification: Uncertain significance. Last evaluated: 2025-06-03. Review status: criteria provided, single submitter. Criteria: LabCorp Variant Classification Summary - May 2015. Collection method: clinical testing. Allele origin: germline.
Comment: Variant summary: The variant involves the duplication of exons 1-4 in the NDUFS6 gene. A presumed nomenclature of c.(?_-12)_(*133_?)dup has been designated for the purposes of this classification. This duplication includes the entire coding sequence of the gene. As exact breakpoints are unknown, it may extend beyond the annotated region of the gene, to include other flanking genes. The variant was absent in 21694 control chromosomes (gnomAD, structural dataset). The available data on variant occurrences in the general population are insufficient to allow any conclusion about variant significance. To our knowledge, no occurrence of c.(?_-12)_(*133_?)dup in individuals affected with Leigh Syndrome and no experimental evidence demonstrating its impact on protein function have been reported. ClinVar contains an entry for this variant (Variation ID: 2425152). Based on the evidence outlined above, the variant was classified as uncertain significance.

NC_000005.9:g.(?_1801520)_(1816163_?)dup

Gene: NDUFS6 (NADH:ubiquinone oxidoreductase subunit S6; plus strand). Cytogenetic location: 5p15.33.
Variant type: Duplication.
Identifiers: ClinVar variation 3907441 (VCV003907441.1).